The following is an entry in ClinVar:

ClinVar aggregate classification (germline): Likely benign. Review status: criteria provided, multiple submitters, no conflicts (2 of 4 stars). 2 submissions from 2 submitters: Likely benign (2). Last evaluated 2025-09-26.

Conditions:
MKS1-related disorder. Also called: MKS1-related condition; MKS1-related disorders. Identifiers: MedGen CN239382.
Joubert syndrome. Also called: Familial aplasia of the vermis; JOUBERT-BOLTSHAUSER SYNDROME. Identifiers: Orphanet 475, MedGen C5979921, MONDO:0018772.
Meckel-Gruber syndrome. Also called: Dysencephalia splachnocystica; DYSENCEPHALIA SPLANCHNOCYSTICA; GRUBER SYNDROME. Identifiers: Orphanet 564, MedGen C0265215, MONDO:0018921.

Allele frequency attached by ClinVar (database versions not stated): gnomAD exomes 0.00001; gnomAD 0.00001.
gnomAD v4.1: 21 of 1,613,618 alleles (0.0013%); highest among the groups gnomAD compares: Non-Finnish European, 0.0018%; no homozygotes.

Submissions (2):

PreventionGenetics, part of Exact Sciences
Classification: Likely benign for MKS1-related condition. Last evaluated: 2025-09-26. Review status: criteria provided, single submitter. Criteria: ACMG Guidelines, 2015. Collection method: clinical testing. Allele origin: germline.
Comment: This variant is classified as likely benign based on ACMG/AMP sequence variant interpretation guidelines (Richards et al. 2015 PMID: 25741868, with internal and published modifications).

Labcorp Genetics (formerly Invitae), Labcorp
Classification: Likely benign for Joubert syndrome; Meckel-Gruber syndrome. Last evaluated: 2023-05-14. Review status: criteria provided, single submitter. Criteria: Invitae Variant Classification Sherloc (09022015). Collection method: clinical testing. Allele origin: germline.

NM_017777.4(MKS1):c.958+7G>C

Gene: MKS1 (MKS transition zone complex subunit 1; minus strand). Cytogenetic location: 17q22.
Variant type: single nucleotide variant.
Coding change: c.958+7G>C on transcript NM_017777.4 (MANE Select); 7 bases into the intron after coding-DNA position 958, G replaced by C.
Molecular consequence: intron variant.
Genome position (GRCh38, 1-based): chr17:58,210,973, C>G on the plus strand (G>C on the coding strand, the complement: MKS1 is on the minus strand). VCF-style: chr17-58210973-C-G. GRCh37 (hg19) VCF-style: chr17-56288334-C-G.
Other names: c.349+7G>C (NM_001321268.2); c.958+7G>C (NM_001330397.2, NM_001321269.2, NM_017777.3).
Identifiers: ClinVar variation 1579502 (VCV001579502.9), dbSNP rs1185269829, ClinGen allele CA626729777.